The following is an entry in ClinVar:

ClinVar aggregate classification (germline): Pathogenic (1 of 4 stars; one submission).

Conditions:
Autosomal recessive early-onset Parkinson disease 7. Identifiers: Orphanet 2828, MedGen C1853445, MONDO:0011658, OMIM 606324.

Submission:

Labcorp Genetics (formerly Invitae), Labcorp
Classification: Pathogenic for Autosomal recessive early-onset Parkinson disease 7. Last evaluated: 2021-10-31. Review status: criteria provided, single submitter. Criteria: Invitae Variant Classification Sherloc (09022015). Collection method: clinical testing. Allele origin: germline.
Comment: This variant is a gross deletion of the genomic region encompassing exon(s) 2-6 of the PARK7 gene, which includes the initiator codon. This deletion extends beyond the assayed region for this gene and therefore may encompass additional genes. It is expected to result in an absent or disrupted protein product. Loss-of-function variants in PARK7 are known to be pathogenic (PMID: 12446870, 12891685). This variant has not been reported in the literature in individuals affected with PARK7-related conditions. For these reasons, this variant has been classified as Pathogenic.

Literature cited by the submitters: PubMed 12446870; PubMed 12891685.

NC_000001.10:g.(?_8022846)_(8037818_?)del

Gene: PARK7 (Parkinsonism associated deglycase; plus strand). Cytogenetic location: 1p36.23.
Variant type: Deletion.
Identifiers: ClinVar variation 2425707 (VCV002425707.4).